The following is an entry in ClinVar:

NM_001048174.2(MUTYH):c.516C>G (p.His172Gln)

Gene: MUTYH (mutY DNA glycosylase; minus strand). Cytogenetic location: 1p34.1.
Variant type: single nucleotide variant.
Coding change: c.516C>G on transcript NM_001048174.2 (MANE Select); coding-DNA position 516, C replaced by G.
Protein change: p.His172Gln; replaces histidine 172 with glutamine.
Molecular consequence: missense variant. On other transcripts: non-coding transcript variant (7).
Genome position (GRCh38, 1-based): chr1:45,332,664, G>C on the plus strand (C>G on the coding strand, the complement: MUTYH is on the minus strand). VCF-style: chr1-45332664-G-C. GRCh37 (hg19) VCF-style: chr1-45798336-G-C.
Other names: c.558C>G, p.His186Gln (NM_001407085.1, NM_001407083.1); c.519C>G, p.His173Gln (NM_001407086.1, NM_001407071.1, NM_001048172.2 and 1 more transcripts); c.537C>G, p.His179Gln (NM_001407087.1); c.516C>G, p.His172Gln (NM_001407088.1, NM_001407070.1, NM_001407072.1 and 6 more transcripts); c.171C>G, p.His57Gln (NM_001350650.2, NM_001350651.2, NM_001407082.1); c.549C>G, p.His183Gln (NM_001407069.1, NM_001407077.1, NM_001293191.2); c.432C>G, p.His144Gln (NM_001407075.1); c.240C>G, p.His80Gln (NM_001407091.1, NM_001293192.2, NM_001293196.2); and 5 more; short protein forms H144Q, H173Q, H197Q, H172Q, H183Q, H187Q, H200Q, H158Q.
Identifiers: ClinVar variation 4113753 (VCV004113753.1).

ClinVar aggregate classification (germline): Uncertain significance (1 of 4 stars; one submission).

Conditions:
Hereditary cancer-predisposing syndrome. Also called: Hereditary neoplastic syndrome; Neoplastic Syndromes, Hereditary; Tumor predisposition; Hereditary Cancer Syndrome. Identifiers: Orphanet 140162, MedGen C0027672, MeSH D009386, MONDO:0015356.

Submission:

Ambry Genetics
Classification: Uncertain significance for Hereditary cancer-predisposing syndrome. Last evaluated: 2025-08-27. Review status: criteria provided, single submitter. Criteria: Ambry Variant Classification Scheme 2023. Collection method: clinical testing. Allele origin: germline.
Comment: The p.H200Q variant (also known as c.600C>G), located in coding exon 8 of the MUTYH gene, results from a C to G substitution at nucleotide position 600. The histidine at codon 200 is replaced by glutamine, an amino acid with highly similar properties. This amino acid position is conserved. In addition, this alteration is predicted to be tolerated by in silico analysis. Based on the available evidence, the clinical significance of this variant remains unclear.